The following is an entry in ClinVar:

ClinVar aggregate classification (germline): Benign (1 of 4 stars; one submission).

Allele frequency attached by ClinVar (database versions not stated): gnomAD 0.02655 and 0.02834; TOPMed 0.02983; 1000 Genomes Project 0.03075; 1000 Genomes Project 30x 0.03295.
gnomAD v4.1: 3,987 of 152,106 alleles (2.6%); highest among the groups gnomAD compares: African/African-American, 9.2%; 202 homozygotes.

Submission:

GeneDx
Classification: Benign. Last evaluated: 2018-06-14. Review status: criteria provided, single submitter. Criteria: GeneDx Variant Classification (06012015). Collection method: clinical testing. Allele origin: germline. Affected: yes.
Comment: This variant is considered likely benign or benign based on one or more of the following criteria: it is a conservative change, it occurs at a poorly conserved position in the protein, it is predicted to be benign by multiple in silico algorithms, and/or has population frequency not consistent with disease.

NM_001165963.4(SCN1A):c.1029-177C>T

Gene: SCN1A (sodium voltage-gated channel alpha subunit 1; minus strand). Cytogenetic location: 2q24.3.
Variant type: single nucleotide variant.
Coding change: c.1029-177C>T on transcript NM_001165963.4 (MANE Select); 177 bases into the intron before coding-DNA position 1029, C replaced by T.
Molecular consequence: intron variant.
Genome position (GRCh38, 1-based): chr2:166,047,945, G>A on the plus strand (C>T on the coding strand, the complement: SCN1A is on the minus strand). VCF-style: chr2-166047945-G-A. GRCh37 (hg19) VCF-style: chr2-166904455-G-A.
Other names: c.1029-177C>T (NM_001353949.2, NM_001353958.2, NM_001353950.2 and 10 more transcripts); c.-1397-177C>T (NM_001353961.2).
Identifiers: ClinVar variation 677399 (VCV000677399.1), dbSNP rs77256975, ClinGen allele CA59798921.